The following is an entry in ClinVar:

NM_001042492.3(NF1):c.4351A>T (p.Asn1451Tyr)

Gene: NF1 (neurofibromin 1; plus strand). Cytogenetic location: 17q11.2.
Variant type: single nucleotide variant.
Coding change: c.4351A>T on transcript NM_001042492.3 (MANE Select); coding-DNA position 4351, A replaced by T.
Protein change: p.Asn1451Tyr; replaces asparagine 1451 with tyrosine.
Molecular consequence: missense variant.
Genome position (GRCh38, 1-based): chr17:31,259,050, A>T. VCF-style: chr17-31259050-A-T. GRCh37 (hg19) VCF-style: chr17-29586068-A-T.
Other names: c.4288A>T, p.Asn1430Tyr (NM_000267.4); short protein forms N1451Y, N1430Y.
Identifiers: ClinVar variation 2479420 (VCV002479420.3), dbSNP rs1567862283, ClinGen allele CA398998738.

ClinVar aggregate classification (germline): Uncertain significance (1 of 4 stars; one submission).

Conditions:
Hereditary cancer-predisposing syndrome. Also called: Hereditary Cancer Syndrome; Hereditary neoplastic syndrome; Neoplastic Syndromes, Hereditary; Tumor predisposition. Identifiers: Orphanet 140162, MedGen C0027672, MeSH D009386, MONDO:0015356.
Cardiovascular phenotype. Identifiers: MedGen CN230736.

Submission:

Ambry Genetics
Classification: Uncertain significance for Cardiovascular phenotype; Hereditary cancer-predisposing syndrome. Last evaluated: 2026-08-17. Review status: criteria provided, single submitter. Criteria: Ambry Variant Classification Scheme 2023. Collection method: clinical testing. Allele origin: germline.
Comment: The p.N1430Y variant (also known as c.4288A>T), located in coding exon 32 of the NF1 gene, results from an A to T substitution at nucleotide position 4288. The asparagine at codon 1430 is replaced by tyrosine, an amino acid with dissimilar properties. This variant was reported in individual(s) with features consistent with Neurofibromatosis type 1 (Ambry internal data). This amino acid position is highly conserved in available vertebrate species. In addition, this alteration is predicted to be deleterious by in silico analysis. Based on the available evidence, the clinical significance of this variant remains unclear.